The following is an entry in ClinVar:

ClinVar aggregate classification (germline): Benign/Likely benign. Review status: criteria provided, multiple submitters, no conflicts (2 of 4 stars). 5 submissions from 5 submitters: Benign (1); Likely benign (4). Last evaluated 2024-12-27.

Conditions:
Hereditary nonpolyposis colorectal neoplasms. Identifiers: MedGen C0009405, MeSH D003123.
Hereditary cancer-predisposing syndrome. Also called: Neoplastic Syndromes, Hereditary; Tumor predisposition; Hereditary neoplastic syndrome; Hereditary Cancer Syndrome. Identifiers: Orphanet 140162, MedGen C0027672, MeSH D009386, MONDO:0015356.
Lynch syndrome. Identifiers: Orphanet 144, MedGen C4552100, MONDO:0005835. Disease mechanism: loss of function.
Lynch syndrome 5 (LYNCH5). Also called: Colorectal cancer, hereditary nonpolyposis, type 5; Hereditary non-polyposis colorectal cancer, type 5. Identifiers: Orphanet 144, MedGen C1833477, MONDO:0013710, OMIM 614350. Disease mechanism: loss of function.

gnomAD v4.1: 4 of 1,614,138 alleles (0.00025%); highest among the groups gnomAD compares: Non-Finnish European, 0.00017%; no homozygotes.

Submissions (5):

Myriad Genetics, Inc.
Classification: Benign for Lynch syndrome 5. Last evaluated: 2024-12-27. Review status: criteria provided, single submitter. Criteria: Myriad Autosomal Dominant, Autosomal Recessive and X-Linked Classification Criteria (2023). Collection method: clinical testing. Allele origin: unknown.
Comment: This variant is considered benign. This variant is a silent/synonymous amino acid change and it is not expected to impact splicing.

All of Us Research Program, National Institutes of Health
Classification: Likely benign for Lynch syndrome. Last evaluated: 2023-12-13. Review status: criteria provided, single submitter. Criteria: ACMG Guidelines, 2015. Collection method: clinical testing. Allele origin: germline. Inheritance: Autosomal dominant inheritance. Observed: 1 variant allele, 1 heterozygote.
Comment: This study involves interpretation of variants in research participants for the purpose of population health screening. Participant phenotype was not available at the time of variant classification. Additional details can be found in publication PMID: 35346344, PMCID: PMC8962531

Labcorp Genetics (formerly Invitae), Labcorp
Classification: Likely benign for Hereditary nonpolyposis colorectal neoplasms. Last evaluated: 2022-08-31. Review status: criteria provided, single submitter. Criteria: Invitae Variant Classification Sherloc (09022015). Collection method: clinical testing. Allele origin: germline.

Ambry Genetics
Classification: Likely benign for Hereditary cancer-predisposing syndrome. Last evaluated: 2022-01-08. Review status: criteria provided, single submitter. Criteria: Ambry Variant Classification Scheme 2023. Collection method: clinical testing. Allele origin: germline.

Color Diagnostics, LLC DBA Color Health
Classification: Likely benign for Hereditary cancer-predisposing syndrome. Last evaluated: 2018-05-01. Review status: criteria provided, single submitter. Criteria: ACMG Guidelines, 2015. Collection method: clinical testing. Allele origin: germline.

NM_000179.3(MSH6):c.1593C>T (p.Pro531=)

Gene: MSH6 (mutS homolog 6; plus strand). Cytogenetic location: 2p16.3.
Variant type: single nucleotide variant.
Coding change: c.1593C>T on transcript NM_000179.3 (MANE Select); coding-DNA position 1593, C replaced by T.
Protein change: p.Pro531=; no amino-acid change (proline 531 retained).
Molecular consequence: synonymous variant.
Genome position (GRCh38, 1-based): chr2:47,799,576, C>T. VCF-style: chr2-47799576-C-T. GRCh37 (hg19) VCF-style: chr2-48026715-C-T.
Other names: c.1203C>T, p.Pro401= (NM_001281492.2); c.687C>T, p.Pro229= (NM_001281493.2, NM_001281494.2).
Identifiers: ClinVar variation 630032 (VCV000630032.15), dbSNP rs1259890299, ClinGen allele CA426121392.